The following is an entry in ClinVar:

NM_007215.4(POLG2):c.430G>A (p.Ala144Thr)

Genes: MILR1 (mast cell immunoglobulin like receptor 1; plus strand), POLG2 (DNA polymerase gamma 2, accessory subunit; minus strand). Cytogenetic location: 17q23.3.
Variant type: single nucleotide variant.
Coding change: c.430G>A on transcript NM_007215.4 (MANE Select); coding-DNA position 430, G replaced by A.
Protein change: p.Ala144Thr; replaces alanine 144 with threonine.
Molecular consequence: missense variant.
Genome position (GRCh38, 1-based): chr17:64,496,539, C>T on the plus strand (G>A on the coding strand, the complement: POLG2 is on the minus strand). VCF-style: chr17-64496539-C-T. GRCh37 (hg19) VCF-style: chr17-62492657-C-T.
Other names: short protein forms A144T.
Identifiers: ClinVar variation 2785320 (VCV002785320.3), dbSNP rs2509560398, ClinGen allele CA400640948.

ClinVar aggregate classification (germline): Uncertain significance (1 of 4 stars; one submission).

Allele frequency attached by ClinVar (database versions not stated): gnomAD exomes below 0.00001.
gnomAD v4.1: 1 of 1,613,920 alleles (0.000062%); highest among the groups gnomAD compares: South Asian, 0.0011%; no homozygotes.

Submission:

Labcorp Genetics (formerly Invitae), Labcorp
Classification: Uncertain significance. Last evaluated: 2023-09-23. Review status: criteria provided, single submitter. Criteria: Invitae Variant Classification Sherloc (09022015). Collection method: clinical testing. Allele origin: germline.
Comment: In summary, the available evidence is currently insufficient to determine the role of this variant in disease. Therefore, it has been classified as a Variant of Uncertain Significance. This variant has not been reported in the literature in individuals affected with POLG2-related conditions. An algorithm developed to predict the effect of missense changes on protein structure and function (PolyPhen-2) suggests that this variant is likely to be tolerated. This variant is not present in population databases (gnomAD no frequency). This sequence change replaces alanine, which is neutral and non-polar, with threonine, which is neutral and polar, at codon 144 of the POLG2 protein (p.Ala144Thr).